The following is an entry in ClinVar:

NM_024426.6(WT1):c.408C>T (p.Pro136=)

Genes: WT1 (WT1 transcription factor; minus strand), LOC107982234 (WT1/WT1-AS bi-directional promoter region; plus strand). Cytogenetic location: 11p13.
Variant type: single nucleotide variant.
Coding change: c.408C>T on transcript NM_024426.6 (MANE Select); coding-DNA position 408, C replaced by T.
Protein change: p.Pro136=; no amino-acid change (proline 136 retained).
Molecular consequence: synonymous variant. On other transcripts: non-coding transcript variant (2).
Genome position (GRCh38, 1-based): chr11:32,434,953, G>A on the plus strand (C>T on the coding strand, the complement: WT1 is on the minus strand). VCF-style: chr11-32434953-G-A. GRCh37 (hg19) VCF-style: chr11-32456499-G-A.
Other names: c.393C>T (NM_024426.4); c.408C>T, p.Pro136= (NM_000378.6, NM_001407044.1, NM_001407045.1 and 6 more transcripts); c.393C>T, p.Pro131= (NM_024425.2).
Identifiers: ClinVar variation 2923014 (VCV002923014.5), dbSNP rs1738380928, ClinGen allele CA473773639.

ClinVar aggregate classification (germline): Likely benign. Review status: criteria provided, multiple submitters, no conflicts (2 of 4 stars). 3 submissions from 3 submitters: Likely benign (3). Last evaluated 2025-05-02.

Conditions:
Wilms tumor 1 (WT1). Also called: Wilms tumor, somatic. Identifiers: Orphanet 654, MedGen CN033288, MONDO:0008679, OMIM 194070.
Drash syndrome (DDS). Also called: NEPHROPATHY, WILMS TUMOR, AND GENITAL ANOMALIES; WILMS TUMOR AND PSEUDO- OR TRUE HERMAPHRODITISM. Identifiers: Orphanet 220, MedGen C0950121, MONDO:0008682, OMIM 194080.
Frasier syndrome. Identifiers: Orphanet 347, MedGen C0950122, MeSH D052159, MONDO:0007635, OMIM 136680.
11p partial monosomy syndrome (WAGR). Also called: CHROMOSOME 11p13 DELETION SYNDROME; WAGR Spectrum Disorder; WAGR syndrome; WAGR Complex. Identifiers: Orphanet 893, MedGen C0206115, MONDO:0008681, OMIM 194072.
Inborn genetic diseases. Identifiers: MedGen C0950123, MeSH D030342.

gnomAD v4.1: 1 of 1,562,856 alleles (0.000064%); highest among the groups gnomAD compares: Non-Finnish European, 0.000086%; no homozygotes.

Submissions (3):

Ambry Genetics
Classification: Likely benign for Inborn genetic diseases. Last evaluated: 2025-05-02. Review status: criteria provided, single submitter. Criteria: Ambry Variant Classification Scheme 2023. Collection method: clinical testing. Allele origin: germline.

Labcorp Genetics (formerly Invitae), Labcorp
Classification: Likely benign for Wilms tumor 1; Drash syndrome; 11p partial monosomy syndrome; Frasier syndrome. Last evaluated: 2024-03-20. Review status: criteria provided, single submitter. Criteria: Invitae Variant Classification Sherloc (09022015). Collection method: clinical testing. Allele origin: germline.

All of Us Research Program, National Institutes of Health
Classification: Likely benign for Wilms tumor 1. Last evaluated: 2023-08-15. Review status: criteria provided, single submitter. Criteria: ACMG Guidelines, 2015. Collection method: clinical testing. Allele origin: germline. Inheritance: Autosomal dominant inheritance. Observed: 1 variant allele, 1 heterozygote.
Comment: This study involves interpretation of variants in research participants for the purpose of population health screening. Participant phenotype was not available at the time of variant classification. Additional details can be found in publication PMID: 35346344, PMCID: PMC8962531